The following is an entry in ClinVar:

NM_001252024.2(TRPM1):c.3104_3105dup (p.Val1036fs)

Genes: TRPM1 (transient receptor potential cation channel subfamily M member 1; minus strand), TRPM1-AS1 (TRPM1 antisense RNA 1; plus strand). Cytogenetic location: 15q13.3.
Variant type: Microsatellite.
Coding change: c.3104_3105dup on transcript NM_001252024.2 (MANE Select); coding-DNA positions 3104 to 3105, 2 bases duplicated (AG; older notation c.3104_3105dupAG).
Protein change: p.Val1036fs; shifts the reading frame from valine 1036.
Molecular consequence: frameshift variant.
Genome position (GRCh38, 1-based): chr15:31,031,005-31,031,006, CT duplicated on the plus strand (AG on the coding strand, the reverse complement: TRPM1 is on the minus strand); duplicating any 2 consecutive bases within chr15:31,031,005-31,031,009 gives the same sequence; the c. name uses the placement nearest the transcript's 3' end. VCF-style (leftmost placement, unchanged base first): chr15-31031004-C-CCT. GRCh37 (hg19) VCF-style: chr15-31323207-C-CCT.
Other names: c.3155_3156dup, p.Val1053fs (NM_001252020.2); c.3038_3039dup, p.Val1014fs (NM_002420.6); short protein forms V1014fs, V1036fs, V1053fs.
Identifiers: ClinVar variation 1325238 (VCV001325238.10), dbSNP rs754705612, ClinGen allele CA7451993.

ClinVar aggregate classification (germline): Pathogenic/Likely pathogenic. Review status: criteria provided, multiple submitters, no conflicts (2 of 4 stars). 3 submissions from 3 submitters: Pathogenic (1); Likely pathogenic (2). Last evaluated 2024-09-16.

Conditions:
TRPM1-related disorder. Also called: TRPM1-related condition.
Congenital stationary night blindness 1C. Also called: Night blindness, congenital stationary (complete), 1C, autosomal recessive. Identifiers: Orphanet 215, MedGen C2750747, MONDO:0013183, OMIM 613216.

Submissions (3):

Labcorp Genetics (formerly Invitae), Labcorp
Classification: Pathogenic. Last evaluated: 2024-09-16. Review status: criteria provided, single submitter. Criteria: Invitae Variant Classification Sherloc (09022015). Collection method: clinical testing. Allele origin: germline.
Comment: This sequence change creates a premature translational stop signal (p.Val1014Argfs*7) in the TRPM1 gene. It is expected to result in an absent or disrupted protein product. Loss-of-function variants in TRPM1 are known to be pathogenic (PMID: 19896113, 19966281, 20300565). This variant is present in population databases (rs754705612, gnomAD 0.02%). This variant has not been reported in the literature in individuals affected with TRPM1-related conditions. ClinVar contains an entry for this variant (Variation ID: 1325238). For these reasons, this variant has been classified as Pathogenic.

Revvity Omics, Revvity
Classification: Likely pathogenic for Congenital stationary night blindness 1C. Last evaluated: 2020-03-09. Review status: criteria provided, single submitter. Criteria: ACMG Guidelines, 2015. Collection method: clinical testing. Allele origin: germline.

Blueprint Genetics
Classification: Likely pathogenic for TRPM1-related disorders. Last evaluated: 2020-02-21. Review status: criteria provided, single submitter. Criteria: ACMG Guidelines, 2015. Collection method: clinical testing. Allele origin: germline. Affected: yes. Observed: 2 variant alleles.

Literature cited by the submitters: PubMed 19896113 (cited by Labcorp Genetics (formerly Invitae), Labcorp); PubMed 19966281 (cited by Labcorp Genetics (formerly Invitae), Labcorp); PubMed 20300565 (cited by Labcorp Genetics (formerly Invitae), Labcorp).